The following is an entry in ClinVar:

ClinVar aggregate classification (germline): Pathogenic/Likely pathogenic. Review status: criteria provided, multiple submitters, no conflicts (2 of 4 stars). 3 submissions from 3 submitters: Pathogenic (1); Likely pathogenic (2). Last evaluated 2026-03-05.

Conditions:
ACVRL1-related disorder. Also called: ACVRL1-related condition; ACVRL1-related disorders.
Cardiovascular phenotype. Identifiers: MedGen CN230736.
Telangiectasia, hereditary hemorrhagic, type 2 (HHT2). Also called: ACVRL1-Related Hereditary Hemorrhagic Telangiectasia; Telangiectasia, hereditary hemorrhagic, type II. Identifiers: Orphanet 774, MedGen C1838163, MONDO:0010880, OMIM 600376. Disease mechanism: loss of function.

Submissions (3):

Ambry Genetics
Classification: Likely pathogenic for Cardiovascular phenotype. Last evaluated: 2026-03-05. Review status: criteria provided, single submitter. Criteria: Ambry Variant Classification Scheme 2023. Collection method: clinical testing. Allele origin: germline.
Comment: The p.Y421D variant (also known as c.1261T>G), located in coding exon 8 of the ACVRL1 gene, results from a T to G substitution at nucleotide position 1261. The tyrosine at codon 421 is replaced by aspartic acid, an amino acid with highly dissimilar properties. This variant was identified in one or more individuals with features consistent with hereditary hemorrhagic telangiectasia and segregated with disease in at least one family (Fontalba A et al. BMC Med. Genet., 2008 Aug;9:75; Ambry internal data). This amino acid position is highly conserved in available vertebrate species. In addition, this alteration is predicted to be deleterious by in silico analysis. This variant is considered to be rare based on population cohorts in the Genome Aggregation Database (gnomAD). Based on the majority of available evidence to date, this variant is likely to be pathogenic.

Labcorp Genetics (formerly Invitae), Labcorp
Classification: Pathogenic for Telangiectasia, hereditary hemorrhagic, type 2. Last evaluated: 2024-12-17. Review status: criteria provided, single submitter. Criteria: Invitae Variant Classification Sherloc (09022015). Collection method: clinical testing. Allele origin: germline.
Comment: This sequence change replaces tyrosine, which is neutral and polar, with aspartic acid, which is acidic and polar, at codon 421 of the ACVRL1 protein (p.Tyr421Asp). This variant is not present in population databases (gnomAD no frequency). This missense change has been observed in individual(s) with hereditary hemorrhagic telangiectasia (PMID: 18673552). ClinVar contains an entry for this variant (Variation ID: 1763363). Invitae Evidence Modeling of protein sequence and biophysical properties (such as structural, functional, and spatial information, amino acid conservation, physicochemical variation, residue mobility, and thermodynamic stability) indicates that this missense variant is expected to disrupt ACVRL1 protein function with a positive predictive value of 95%. This variant disrupts the p.Tyr421 amino acid residue in ACVRL1. Other variant(s) that disrupt this residue have been determined to be pathogenic (internal data). This suggests that this residue is clinically significant, and that variants that disrupt this residue are likely to be disease-causing. For these reasons, this variant has been classified as Pathogenic.

Blueprint Genetics
Classification: Likely pathogenic for ACVRL1-related disorders. Last evaluated: 2020-02-10. Review status: criteria provided, single submitter. Criteria: ACMG Guidelines, 2015. Collection method: clinical testing. Allele origin: germline. Affected: yes. Observed: 1 variant allele.

Literature cited by the submitters: PubMed 18673552 (cited by Ambry Genetics and Labcorp Genetics (formerly Invitae), Labcorp).

NM_000020.3(ACVRL1):c.1261T>G (p.Tyr421Asp)

Gene: ACVRL1 (activin A receptor like type 1; plus strand). Cytogenetic location: 12q13.13.
Variant type: single nucleotide variant.
Coding change: c.1261T>G on transcript NM_000020.3 (MANE Select); coding-DNA position 1261, T replaced by G.
Protein change: p.Tyr421Asp; replaces tyrosine 421 with aspartic acid.
Molecular consequence: missense variant.
Genome position (GRCh38, 1-based): chr12:51,918,999, T>G. VCF-style: chr12-51918999-T-G. GRCh37 (hg19) VCF-style: chr12-52312783-T-G.
Other names: c.1261T>G, p.Tyr421Asp (NM_001077401.2, NM_001406487.1, NM_001406488.1 and 1 more transcripts); c.1105T>G, p.Tyr369Asp (NM_001406490.1); c.949T>G, p.Tyr317Asp (NM_001406491.1, NM_001406492.1, NM_001406493.1); c.751T>G, p.Tyr251Asp (NM_001406494.1); c.697T>G, p.Tyr233Asp (NM_001406495.1); short protein forms Y251D, Y369D, Y421D, Y233D, Y317D.
Identifiers: ClinVar variation 1763363 (VCV001763363.6), dbSNP rs2540170621, ClinGen allele CA384903682.